The following is an entry in ClinVar:

ClinVar aggregate classification (germline): Pathogenic (1 of 4 stars; one submission).

Submission:

GeneDx
Classification: Pathogenic. Last evaluated: 2013-03-29. Review status: criteria provided, single submitter. Criteria: GeneDx Variant Classification (06012015). Collection method: clinical testing. Allele origin: germline. Affected: yes.
Comment: c.1337delG:p.Gly446ValfsX48 (G446VfsX48) in exon 11 of the SCARB2 gene (NM_005506.3). The normal sequence with the bases that are deleted in braces is: CTGG{G}TGTG. The c.1337delG mutation in the SCARB2 gene causes a frameshift starting with codon Glycine 446, changes this amino acid to a Valine residue and creates a premature Stop codon at position 48 of the new reading frame, denoted p.Gly446ValfsX48. This mutation is predicted to result in the replacement of the last 38 amino acids with 47 incorrect amino acids. Although this mutation has not been previously reported to our knowledge, other frameshift mutations have been reported in association with SCARB2-related disorders. Therefore, c.1337delG is considered a disease-causing mutation. The variant is found in SCARB2 panel(s).

NM_005506.4(SCARB2):c.1337del (p.Gly446fs)

Gene: SCARB2 (scavenger receptor class B member 2; minus strand). Cytogenetic location: 4q21.1.
Variant type: Deletion.
Coding change: c.1337del on transcript NM_005506.4 (MANE Select); coding-DNA position 1337, one base deleted (G; older notation c.1337delG).
Protein change: p.Gly446fs; shifts the reading frame from glycine 446.
Molecular consequence: frameshift variant.
Genome position (GRCh38, 1-based): chr4:76,163,286, C deleted on the plus strand (G on the coding strand, the reverse complement: SCARB2 is on the minus strand); the first of 3 consecutive C bases (chr4:76,163,286-76,163,288); deleting any one gives the same sequence. VCF-style (leftmost placement, unchanged base first): chr4-76163285-AC-A. GRCh37 (hg19) VCF-style: chr4-77084438-AC-A.
Other names: c.908del, p.Gly303fs (NM_001204255.2); short protein forms G303fs, G446fs.
Identifiers: ClinVar variation 206723 (VCV000206723.1), dbSNP rs796052949, ClinGen allele CA317090.
Genomic context (GRCh38, chr4:76,163,285, plus strand): 5'-CTCATCCATGGATCCCTGTCCTTTGCATGCAAGCCAGGTAAAAACCAAACCAAAGAACAC[AC>A]CCAGCGCCATGATGATGTAGGGTATGTTGGTGATGATCAAAGTAGTGTTAATCATAGACT-3'